The following is an entry in ClinVar:

NM_020812.4(DOCK6):c.2480G>T (p.Gly827Val)

Gene: DOCK6 (dedicator of cytokinesis 6; minus strand). Cytogenetic location: 19p13.2.
Variant type: single nucleotide variant.
Coding change: c.2480G>T on transcript NM_020812.4 (MANE Select); coding-DNA position 2480, G replaced by T.
Protein change: p.Gly827Val; replaces glycine 827 with valine.
Molecular consequence: missense variant.
Genome position (GRCh38, 1-based): chr19:11,235,672, C>A on the plus strand (G>T on the coding strand, the complement: DOCK6 is on the minus strand). VCF-style: chr19-11235672-C-A. GRCh37 (hg19) VCF-style: chr19-11346348-C-A.
Other names: c.2480G>T, p.Gly827Val (NM_001367830.1); c.2480G>T (NM_020812.3); short protein forms G827V.
Identifiers: ClinVar variation 1911965 (VCV001911965.6), dbSNP rs1275945529, ClinGen allele CA404096875.
Genomic context (GRCh38, chr19:11,235,672, plus strand): 5'-GGCTCAGTGCCAGGAAGGCGAAAGGCGTAGTGGACGTAGGCAGCCAGCTGTGGGCAGTGA[C>A]CGCGGGCATCCTGGGCTGCCTCCAGGCTCCGGTGAACAAGGCTGACTACATGGGCCATTG-3'
Protein context (NP_065863.2, residues 817-837): RSLEAAQDAR[Gly827Val]HCPQLAAYVH

ClinVar aggregate classification (germline): Uncertain significance. Review status: criteria provided, multiple submitters, no conflicts (2 of 4 stars). 2 submissions from 2 submitters: Uncertain significance (2). Last evaluated 2024-10-17.

Conditions:
DOCK6-related disorder. Also called: DOCK6-related condition.

Allele frequency attached by ClinVar (database versions not stated): gnomAD 0.00001; TOPMed 0.00002.
gnomAD v4.1: 21 of 1,602,060 alleles (0.0013%); highest among the groups gnomAD compares: Admixed American, 0.017%; no homozygotes.

Submissions (2):

Labcorp Genetics (formerly Invitae), Labcorp
Classification: Uncertain significance. Last evaluated: 2024-10-17. Review status: criteria provided, single submitter. Criteria: Invitae Variant Classification Sherloc (09022015). Collection method: clinical testing. Allele origin: germline.
Comment: This sequence change replaces glycine, which is neutral and non-polar, with valine, which is neutral and non-polar, at codon 827 of the DOCK6 protein (p.Gly827Val). This variant is present in population databases (no rsID available, gnomAD 0.02%). This variant has not been reported in the literature in individuals affected with DOCK6-related conditions. ClinVar contains an entry for this variant (Variation ID: 1911965). Invitae Evidence Modeling of protein sequence and biophysical properties (such as structural, functional, and spatial information, amino acid conservation, physicochemical variation, residue mobility, and thermodynamic stability) has been performed for this missense variant. However, the output from this modeling did not meet the statistical confidence thresholds required to predict the impact of this variant on DOCK6 protein function. In summary, the available evidence is currently insufficient to determine the role of this variant in disease. Therefore, it has been classified as a Variant of Uncertain Significance.

PreventionGenetics, part of Exact Sciences
Classification: Uncertain significance for DOCK6-related condition. Last evaluated: 2023-03-06. Review status: criteria provided, single submitter. Criteria: ACMG Guidelines, 2015. Collection method: clinical testing. Allele origin: germline.
Comment: The DOCK6 c.2480G>T variant is predicted to result in the amino acid substitution p.Gly827Val. To our knowledge, this variant has not been reported in the literature. This variant is reported in 0.024% of alleles in individuals of Latino descent in gnomAD. At this time, the clinical significance of this variant is uncertain due to the absence of conclusive functional and genetic evidence.